The following is an entry in ClinVar:

ClinVar aggregate classification (germline): Uncertain significance. Review status: criteria provided, multiple submitters, no conflicts (2 of 4 stars). 5 submissions from 5 submitters: Uncertain significance (5). Last evaluated 2026-01-16.

Conditions:
Myofibrillar myopathy 5. Also called: FILAMINOPATHY, AUTOSOMAL DOMINANT; Filaminopathy (type). Identifiers: Orphanet 171445, MedGen C1836050, MONDO:0012289, OMIM 609524.
Hypertrophic cardiomyopathy 26. Also called: Cardiomyopathy, familial hypertrophic, 26. Identifiers: Orphanet 75249, MedGen C4310749, MONDO:0014883, OMIM 617047.
Distal myopathy with posterior leg and anterior hand involvement. Also called: WILLIAMS DISTAL MYOPATHY. Identifiers: Orphanet 63273, MedGen C3279722, MONDO:0013550, OMIM 614065.
FLNC-related disorder. Also called: FLNC-related disorders; FLNC-related condition.
Cardiovascular phenotype. Identifiers: MedGen CN230736.

Allele frequency attached by ClinVar (database versions not stated): gnomAD 0.00001; gnomAD exomes 0.00001; TOPMed 0.00001.
gnomAD v4.1: 10 of 1,607,084 alleles (0.00062%); highest among the groups gnomAD compares: Middle Eastern, 0.016%; no homozygotes.

Submissions (5):

PreventionGenetics, part of Exact Sciences
Classification: Uncertain significance for FLNC-related condition. Last evaluated: 2026-01-16. Review status: criteria provided, single submitter. Criteria: ACMG Guidelines, 2015. Collection method: clinical testing. Allele origin: germline.
Comment: The FLNC c.6724G>A variant is predicted to result in the amino acid substitution p.Glu2242Lys. To our knowledge, this variant has not been reported in the literature or in a large population database (gnomAD), indicating this variant is rare. At this time, the clinical significance of this variant is uncertain due to the absence of conclusive functional and genetic evidence.

Labcorp Genetics (formerly Invitae), Labcorp
Classification: Uncertain significance for Distal myopathy with posterior leg and anterior hand involvement; Myofibrillar myopathy 5; Hypertrophic cardiomyopathy 26. Last evaluated: 2025-10-16. Review status: criteria provided, single submitter. Criteria: Invitae Variant Classification Sherloc (09022015). Collection method: clinical testing. Allele origin: germline.
Comment: This sequence change replaces glutamic acid, which is acidic and polar, with lysine, which is basic and polar, at codon 2242 of the FLNC protein (p.Glu2242Lys). This variant is not present in population databases (gnomAD no frequency). This variant has not been reported in the literature in individuals affected with FLNC-related conditions. ClinVar contains an entry for this variant (Variation ID: 472144). An algorithm developed to predict the effect of missense changes on protein structure and function (PolyPhen-2) suggests that this variant is likely to be tolerated. In summary, the available evidence is currently insufficient to determine the role of this variant in disease. Therefore, it has been classified as a Variant of Uncertain Significance.

Ambry Genetics
Classification: Uncertain significance for Cardiovascular phenotype. Last evaluated: 2023-03-20. Review status: criteria provided, single submitter. Criteria: Ambry Variant Classification Scheme 2023. Collection method: clinical testing. Allele origin: germline.
Comment: The p.E2242K variant (also known as c.6724G>A), located in coding exon 40 of the FLNC gene, results from a G to A substitution at nucleotide position 6724. The glutamic acid at codon 2242 is replaced by lysine, an amino acid with similar properties. This amino acid position is highly conserved in available vertebrate species. In addition, the in silico prediction for this alteration is inconclusive. Since supporting evidence is limited at this time, the clinical significance of this alteration remains unclear.

Revvity Omics, Revvity
Classification: Uncertain significance. Last evaluated: 2019-06-14. Review status: criteria provided, single submitter. Criteria: ACMG Guidelines, 2015. Collection method: clinical testing. Allele origin: germline.

GeneDx
Classification: Uncertain significance. Last evaluated: 2018-07-13. Review status: criteria provided, single submitter. Criteria: GeneDx Variant Classification Process June 2021. Collection method: clinical testing. Allele origin: germline. Affected: yes.

NM_001458.5(FLNC):c.6724G>A (p.Glu2242Lys)

Genes: FLNC (filamin C; plus strand), FLNC-AS1 (FLNC antisense RNA 1; minus strand). Cytogenetic location: 7q32.1.
Variant type: single nucleotide variant.
Coding change: c.6724G>A on transcript NM_001458.5 (MANE Select); coding-DNA position 6724, G replaced by A.
Protein change: p.Glu2242Lys; replaces glutamic acid 2242 with lysine.
Molecular consequence: missense variant.
Genome position (GRCh38, 1-based): chr7:128,854,213, G>A. VCF-style: chr7-128854213-G-A. GRCh37 (hg19) VCF-style: chr7-128494267-G-A.
Other names: c.6625G>A, p.Glu2209Lys (NM_001127487.2); short protein forms E2242K, E2209K.
Identifiers: ClinVar variation 472144 (VCV000472144.18), dbSNP rs1265897548, ClinGen allele CA369213322.